The following is an entry in ClinVar:

ClinVar aggregate classification (germline): Conflicting classifications of pathogenicity. Review status: criteria provided, conflicting classifications (1 of 4 stars). 23 submissions from 23 submitters: Uncertain significance (6); Likely benign (12). 5 of the submissions do not count toward it. Last evaluated 2026-05-24.

Conditions:
Inherited breast cancer and ovarian cancer.
BRCA2-related disorder. Also called: BRCA2-related condition; BRCA2-related disorders. Identifiers: MedGen CN239275.
Hereditary cancer-predisposing syndrome. Also called: Hereditary neoplastic syndrome; Tumor predisposition; Hereditary Cancer Syndrome; Neoplastic Syndromes, Hereditary. Identifiers: Orphanet 140162, MedGen C0027672, MeSH D009386, MONDO:0015356.
Hereditary breast ovarian cancer syndrome. Also called: Breast and ovarian cancer; Hereditary breast and/or ovarian cancer syndrome; BRCA1- and BRCA2-Associated Hereditary Breast and Ovarian Cancer; Hereditary breast and ovarian cancer syndrome; Hereditary breast and ovarian cancer; Hereditary breast and ovarian cancer syndrome (HBOC). Identifiers: Orphanet 145, MedGen C0677776, MeSH D061325, MONDO:0003582. Disease mechanism: loss of function.
Primary familial hypertrophic cardiomyopathy (HCM). Identifiers: Orphanet 99739, MedGen C0949658, MeSH D024741, MONDO:0024573. Inheritance: Various modes of inheritance.
Breast-ovarian cancer, familial, susceptibility to, 2 (BROVCA2). Also called: BRCA2 Hereditary Breast and Ovarian Cancer. Identifiers: Orphanet 145, MedGen C2675520, MONDO:0012933, OMIM 612555. Disease mechanism: loss of function.
Familial cancer of breast. Also called: BREAST CANCER, FAMILIAL; Hereditary breast cancer; hereditary breast carcinoma. Identifiers: Orphanet 227535, MedGen C0346153, MONDO:0016419, OMIM 114480. Disease mechanism: loss of function.
Malignant tumor of breast. Also called: Cancer breast; Malignant breast neoplasm. Identifiers: MedGen C0006142, MONDO:0007254. Disease mechanism: loss of function.

Allele frequency attached by ClinVar (database versions not stated): 1000 Genomes Project below 0.00001; gnomAD exomes 0.00002 and 0.00004; ExAC 0.00003; gnomAD 0.00005; TOPMed 0.00008.

Submissions 1 to 15 of 23:

PreventionGenetics, part of Exact Sciences
Classification: Likely benign for BRCA2-related condition. Last evaluated: 2026-05-24. Review status: criteria provided, single submitter. Criteria: ACMG Guidelines, 2015. Collection method: clinical testing. Allele origin: germline.
Comment: This variant is classified as likely benign based on ACMG/AMP sequence variant interpretation guidelines (Richards et al. 2015 PMID: 25741868, with internal and published modifications).

Labcorp Genetics (formerly Invitae), Labcorp
Classification: Likely benign for Hereditary breast ovarian cancer syndrome. Last evaluated: 2026-02-02. Review status: criteria provided, single submitter. Criteria: Invitae Variant Classification Sherloc (09022015). Collection method: clinical testing. Allele origin: germline.

Petrovsky National Research Centre of Surgery, The Federal Agency for Scientific Organizations
Classification: Uncertain significance for Primary familial hypertrophic cardiomyopathy. Last evaluated: 2025-11-07. Review status: criteria provided, single submitter. Criteria: ACMG Guidelines, 2015. Collection method: research. Allele origin: unknown. Inheritance: Autosomal dominant inheritance. Affected: yes.
Comment: Familial burden for cancer in unknown. Clinvar (VCV000038138.57) contains 15 entries conflicting for this variant (10 entries as likely benign and 5 entries as uncertain significance). The variant was described in a number of patients with various types of cancer, but the PS4 criterion proved to be inapplicable due to the confidence interval cut-off threshold. The variant is absent in the ethnically close population (European-Non-Finnish) in gnomAD3.1.1 (non-cancers) (Date of access 05-11-2025) (PM2_supporting). Computational evidence suggest no impact on gene or gene product: REVEL score=0.258<0.4 (BP4).

Quest Diagnostics Nichols Institute San Juan Capistrano
Classification: Uncertain significance. Last evaluated: 2025-03-12. Review status: criteria provided, single submitter. Criteria: Quest Diagnostics criteria. Collection method: clinical testing. Allele origin: unknown.
Comment: The BRCA2 c.8092G>A (p.Ala2698Thr) variant has been reported in the published literature in individuals with breast cancer and/or ovarian cancer (PMID: 30982232 (2019), 32885271 (2021), 32658311 (2021), 33875706 (2021), 29854292 (2018), 33471991 (2021), see also LOVD), glioblastoma (PMID: 24132290 (2013)), and renal cell carcinoma (PMID: 26689913 (2015)). This variant has also been observed in reportedly healthy individuals (PMIDs: 32467295 (2020), 32658311 (2021), and 33471991 (2021), see also LOVD), and functional studies demonstrated that this variant had an inconclusive effect on protein function (PMIDs: 39779848 (2025), 39779857 (2025)). The frequency of this variant in the general population (Genome Aggregation Database) is uninformative in the assessment of its pathogenicity. Analysis of this variant using bioinformatics tools for the prediction of the effect of amino acid changes on protein structure and function yielded predictions that this variant is benign. Based on the available information, we are unable to determine the clinical significance of this variant.

Center for Genomic Medicine, Rigshospitalet, Copenhagen University Hospital
Classification: Likely benign. Last evaluated: 2025-03-04. Review status: criteria provided, single submitter. Criteria: ACMG Guidelines, 2015. Collection method: clinical testing. Allele origin: germline.

Blueprint Genetics
Classification: Likely benign. Last evaluated: 2024-08-06. Review status: criteria provided, single submitter. Criteria: ACMG Guidelines, 2015. Collection method: clinical testing. Allele origin: germline.

Genomics and Molecular Medicine Service, East Genomic Laboratory Hub, NHS Genomic Medicine Service
Classification: Likely benign for Inherited breast cancer and ovarian cancer. Last evaluated: 2024-05-02. Review status: criteria provided, single submitter. Criteria: ACGS Best Practice Guidelines for Variant Classification in Rare Disease 2020. Collection method: clinical testing. Allele origin: germline. Affected: yes.
Comment: PM1_Supporting,BS1_Strong,BP4

Institute for Biomarker Research, Medical Diagnostic Laboratories, L.L.C.
Classification: Uncertain significance for Hereditary breast ovarian cancer syndrome. Last evaluated: 2024-02-14. Review status: criteria provided, single submitter. Criteria: ACMG Guidelines, 2015. Collection method: clinical testing. Allele origin: germline.

MGZ Medical Genetics Center
Classification: Likely benign for Familial cancer of breast. Last evaluated: 2024-02-09. Review status: criteria provided, single submitter. Criteria: CSpec BRCA1/2ACMG Rules Specifications V1.1.0. Collection method: clinical testing. Allele origin: germline. Affected: yes.
Comment: ACMG codes applied following ENIGMA VCEP rules: BS1_SUP, BS2_SUP, BP4

Mendelics
Classification: Uncertain significance. Last evaluated: 2022-12-13. Review status: criteria provided, single submitter. Criteria: Mendelics Assertion Criteria 2017. Collection method: clinical testing. Allele origin: unknown.

National Health Laboratory Service, Universitas Academic Hospital and University of the Free State
Classification: Likely benign for Hereditary breast ovarian cancer syndrome. Last evaluated: 2022-04-19. Review status: criteria provided, single submitter. Criteria: ACMG Guidelines, 2015. Collection method: clinical testing. Allele origin: germline. Affected: yes. Observed: 34 variant alleles.

Sema4
Classification: Likely benign for Hereditary cancer-predisposing syndrome. Last evaluated: 2022-02-17. Review status: criteria provided, single submitter. Criteria: Sema4 Curation Guidelines. Collection method: curation. Allele origin: germline.

Women's Health and Genetics/Laboratory Corporation of America, LabCorp
Classification: Likely benign. Last evaluated: 2021-11-02. Review status: criteria provided, single submitter. Criteria: LabCorp Variant Classification Summary - May 2015. Collection method: clinical testing. Allele origin: germline.
Comment: Variant summary: BRCA2 c.8092G>A (p.Ala2698Thr) results in a non-conservative amino acid change located in the BRCA2, OB1 domain of the encoded protein sequence. Four of five in-silico tools predict a benign effect of the variant on protein function. The variant allele was found at a frequency of 3.6e-05 in 251318 control chromosomes (gnomAD). The available data on variant occurrences in the general population are insufficient to allow any conclusion about variant significance. c.8092G>A has been reported in the literature in individuals affected with Breast and Ovarian Cancer as well as other cancer types without evidence for causality (example, Dorling_2021, Kim_2021, Akcay_2020, Encinas_2018, Wang_2018, Dong_2018, Lu_2015, Pal_2015, Kandoth_2013, Manguoglu_2010, Manguoglu_2010, Wagner_1999). At-least one of these publications reported re-classification of this variant from a VUS to likely benign supported by ACMG guidelines and a validated multifactorial probability model (Lee_2018). These reports do not provide unequivocal conclusions about association of the variant with Hereditary Breast And Ovarian Cancer Syndrome. At-least one co-occurrence with another pathogenic variant has been observed at our laboratory (BRCA2 c.1321_1324delACTT, p.Thr441GlnfsX18), providing supporting evidence for a benign role. To our knowledge, no experimental evidence demonstrating an impact on protein function has been reported. Nine clinical diagnostic laboratories have submitted clinical-significance assessments for this variant to ClinVar after 2014 and reported the variant with conflicting assessments (VUS=5, Likely Benign=4). Based on the evidence outlined above, the variant was classified as likely benign.

Revvity Omics, Revvity
Classification: Uncertain significance. Last evaluated: 2021-10-08. Review status: criteria provided, single submitter. Criteria: ACMG Guidelines, 2015. Collection method: clinical testing. Allele origin: germline.

Ambry Genetics
Classification: Likely benign for Hereditary cancer-predisposing syndrome. Last evaluated: 2018-04-17. Review status: criteria provided, single submitter. Criteria: Ambry Variant Classification Scheme 2023. Collection method: clinical testing. Allele origin: germline.

NM_000059.4(BRCA2):c.8092G>A (p.Ala2698Thr)

Gene: BRCA2 (BRCA2 DNA repair associated; plus strand). Cytogenetic location: 13q13.1.
Variant type: single nucleotide variant.
Coding change: c.8092G>A on transcript NM_000059.4 (MANE Select); coding-DNA position 8092, G replaced by A.
Protein change: p.Ala2698Thr; replaces alanine 2698 with threonine.
Molecular consequence: missense variant.
Genome position (GRCh38, 1-based): chr13:32,363,294, G>A. VCF-style: chr13-32363294-G-A. GRCh37 (hg19) VCF-style: chr13-32937431-G-A.
Other names: R2698H; p.A2698T:GCA>ACA; NP_000050.3:p.Ala2698Thr; short protein forms A2698T.
Identifiers: ClinVar variation 38138 (VCV000038138.61), dbSNP rs80359052, ClinGen allele CA025451.